The following is an entry in ClinVar:

ClinVar aggregate classification (germline): Uncertain significance (1 of 4 stars; one submission).

Conditions:
Inborn genetic diseases. Identifiers: MedGen C0950123, MeSH D030342.

gnomAD v4.1: 1 of 1,613,498 alleles (0.000062%); highest among the groups gnomAD compares: Non-Finnish European, 0.000085%; no homozygotes.

Submission:

Ambry Genetics
Classification: Uncertain significance for Inborn genetic diseases. Last evaluated: 2025-09-10. Review status: criteria provided, single submitter. Criteria: Ambry Variant Classification Scheme 2023. Collection method: clinical testing. Allele origin: germline.
Comment: The p.I275V variant (also known as c.823A>G), located in coding exon 9 of the FANCA gene, results from an A to G substitution at nucleotide position 823. The isoleucine at codon 275 is replaced by valine, an amino acid with highly similar properties. This amino acid position is conserved. In addition, this alteration is predicted to be tolerated by in silico analysis. Based on the available evidence, the clinical significance of this variant remains unclear.

NM_000135.4(FANCA):c.823A>G (p.Ile275Val)

Gene: FANCA (FA complementation group A; minus strand). Cytogenetic location: 16q24.3.
Variant type: single nucleotide variant.
Coding change: c.823A>G on transcript NM_000135.4 (MANE Select); coding-DNA position 823, A replaced by G.
Protein change: p.Ile275Val; replaces isoleucine 275 with valine.
Molecular consequence: missense variant.
Genome position (GRCh38, 1-based): chr16:89,799,608, T>C on the plus strand (A>G on the coding strand, the complement: FANCA is on the minus strand). VCF-style: chr16-89799608-T-C. GRCh37 (hg19) VCF-style: chr16-89866016-T-C.
Other names: c.823A>G, p.Ile275Val (NM_001018112.3, NM_001286167.3); c.727A>G, p.Ile243Val (NM_001351830.2); short protein forms I243V, I275V.
Identifiers: ClinVar variation 4254343 (VCV004254343.1).
Genomic context (GRCh38, chr16:89,799,608, plus strand): 5'-ATTGCTAATAAGCAAACTAAGTCATTTACAGTCTGGGCTGCAGTGCAATTAACTTACAAA[T>C]CAGCATTCTCTGCAGTACATCAACCGTGACCTGTCAAAATAGAATGTGAGTTACCATCTT-3'
Protein context (NP_000126.2, residues 265-285): VTVDVLQRML[Ile275Val]FALDALAAGV